The following is an entry in ClinVar:

ClinVar aggregate classification (germline): Uncertain significance. Review status: criteria provided, multiple submitters, no conflicts (2 of 4 stars). 3 submissions from 3 submitters: Uncertain significance (3). Last evaluated 2026-09-08.

Conditions:
Inborn genetic diseases. Identifiers: MedGen C0950123, MeSH D030342.
PCNT-related disorder. Also called: PCNT-related condition.

gnomAD v4.1: 26 of 1,569,676 alleles (0.0017%); highest among the groups gnomAD compares: Middle Eastern, 0.023%; no homozygotes.

Submissions (3):

PreventionGenetics, part of Exact Sciences
Classification: Uncertain significance for PCNT-related condition. Last evaluated: 2026-09-08. Review status: criteria provided, single submitter. Criteria: ACMG Guidelines, 2015. Collection method: clinical testing. Allele origin: germline.
Comment: The PCNT c.8023C>T variant is predicted to result in the amino acid substitution p.Arg2675Trp. To our knowledge, this variant has not been reported in the literature. This variant is reported in 0.025% of alleles in individuals of African descent in gnomAD. At this time, the clinical significance of this variant is uncertain due to the absence of conclusive functional and genetic evidence.

Ambry Genetics
Classification: Uncertain significance for Inborn genetic diseases. Last evaluated: 2024-09-04. Review status: criteria provided, single submitter. Criteria: Ambry Variant Classification Scheme 2023. Collection method: clinical testing. Allele origin: germline.

Labcorp Genetics (formerly Invitae), Labcorp
Classification: Uncertain significance. Last evaluated: 2022-02-02. Review status: criteria provided, single submitter. Criteria: Invitae Variant Classification Sherloc (09022015). Collection method: clinical testing. Allele origin: germline.
Comment: This sequence change replaces arginine, which is basic and polar, with tryptophan, which is neutral and slightly polar, at codon 2675 of the PCNT protein (p.Arg2675Trp). The frequency data for this variant in the population databases is considered unreliable, as metrics indicate poor data quality at this position in the gnomAD database. This variant has not been reported in the literature in individuals affected with PCNT-related conditions. Algorithms developed to predict the effect of missense changes on protein structure and function are either unavailable or do not agree on the potential impact of this missense change (SIFT: "Deleterious"; PolyPhen-2: "Possibly Damaging"; Align-GVGD: "Class C0"). In summary, the available evidence is currently insufficient to determine the role of this variant in disease. Therefore, it has been classified as a Variant of Uncertain Significance.

NM_006031.6(PCNT):c.8023C>T (p.Arg2675Trp)

Gene: PCNT (pericentrin; plus strand). Cytogenetic location: 21q22.3.
Variant type: single nucleotide variant.
Coding change: c.8023C>T on transcript NM_006031.6 (MANE Select); coding-DNA position 8023, C replaced by T.
Protein change: p.Arg2675Trp; replaces arginine 2675 with tryptophan.
Molecular consequence: missense variant.
Genome position (GRCh38, 1-based): chr21:46,430,616, C>T. VCF-style: chr21-46430616-C-T. GRCh37 (hg19) VCF-style: chr21-47850530-C-T.
Other names: c.8023C>T (NM_006031.5); c.7669C>T, p.Arg2557Trp (NM_001315529.2); short protein forms R2557W, R2675W.
Identifiers: ClinVar variation 1942055 (VCV001942055.5), dbSNP rs771547665, ClinGen allele CA10080855.